The following is an entry in ClinVar:

ClinVar aggregate classification (germline): Pathogenic (1 of 4 stars; one submission).

Conditions:
Neurodevelopmental disorder with speech impairment and dysmorphic facies. Identifiers: MedGen C5436699, MONDO:0033630, OMIM 619056.

Submission:

Victorian Clinical Genetics Services, Murdoch Childrens Research Institute
Classification: Pathogenic for Neurodevelopmental disorder with speech impairment and dysmorphic facies. Last evaluated: 2024-02-08. Review status: criteria provided, single submitter. Criteria: ACMG Guidelines, 2015. Collection method: clinical testing. Allele origin: germline. Affected: yes.
Comment: This variant is classified as Pathogenic. Evidence in support of pathogenic classification: Variant is predicted to cause nonsense-mediated decay (NMD) and loss of protein (premature termination codon is located at least 54 nucleotides upstream of the final exon-exon junction); Variant is absent from gnomAD (both v2 and v3); Other NMD-predicted variants comparable to the one identified in this case have very strong previous evidence for pathogenicity. There are many pathogenic NMD-predicted variants reported (ClinVar); Additional information: Loss of function is a known mechanism of disease in this gene and is associated with neurodevelopmental disorder with speech impairment and dysmorphic facies (MIM#619056), whereas the mechanism is unknown for early onset epilepsy with or without developmental delay (MIM#619056); This gene is associated with autosomal dominant disease; This variant is heterozygous; This variant has no previous evidence of pathogenicity; No published segregation evidence has been identified for this variant; No published functional evidence has been identified for this variant.

NM_014712.3(SETD1A):c.273del (p.Pro92fs)

Gene: SETD1A (SET domain containing 1A, histone lysine methyltransferase; plus strand). Cytogenetic location: 16p11.2.
Variant type: Deletion.
Coding change: c.273del on transcript NM_014712.3 (MANE Select); coding-DNA position 273, one base deleted (T; older notation c.273delT).
Protein change: p.Pro92fs; shifts the reading frame from proline 92.
Molecular consequence: frameshift variant.
Genome position (GRCh38, 1-based): chr16:30,961,293, T deleted; the last of 2 consecutive T bases (chr16:30,961,292-30,961,293); deleting either gives the same sequence. VCF-style (leftmost placement, unchanged base first): chr16-30961291-AT-A. GRCh37 (hg19) VCF-style: chr16-30972612-AT-A.
Other names: short protein forms P92fs.
Identifiers: ClinVar variation 4538460 (VCV004538460.1).